The following is an entry in ClinVar:

ClinVar aggregate classification (germline): Uncertain significance (1 of 4 stars; one submission).

Conditions:
Oto-palato-digital syndrome, type II (OPD2). Also called: FACIOPALATOOSSEOUS SYNDROME; OPD II SYNDROME; Otopalatodigital Syndrome, Type II; Otopalatodigital Syndrome Type 2 (FLNA-OPD2). Identifiers: Orphanet 669, Orphanet 90652, MedGen C1844696, MONDO:0010571, OMIM 304120.
Heterotopia, periventricular, X-linked dominant (PVNH1). Also called: PERIVENTRICULAR NODULAR HETEROTOPIA 1; X-linked periventricular heterotopia; PERIVENTRICULAR NODULAR HETEROTOPIA 4; HETEROTOPIA, PERIVENTRICULAR, 1. Identifiers: Orphanet 2149, Orphanet 82004, MedGen C1848213, MONDO:0010233, OMIM 300049.
Frontometaphyseal dysplasia (FMD1). Identifiers: Orphanet 1826, MedGen C0265293, MONDO:0015942.
Melnick-Needles syndrome (MNS). Also called: MELNICK-NEEDLES OSTEODYSPLASTY; OSTEODYSPLASTY OF MELNICK AND NEEDLES; Melnick-Needles Syndrome (FLNA-MNS). Identifiers: Orphanet 2484, MedGen C0025237, MONDO:0010650, OMIM 309350.

gnomAD v4.1: 2 of 1,199,083 alleles (0.00017%); highest among the groups gnomAD compares: Non-Finnish European, 0.00022%; no homozygotes.

Submission:

Labcorp Genetics (formerly Invitae), Labcorp
Classification: Uncertain significance for Oto-palato-digital syndrome, type II; Heterotopia, periventricular, X-linked dominant; Frontometaphyseal dysplasia; Melnick-Needles syndrome. Last evaluated: 2023-08-03. Review status: criteria provided, single submitter. Criteria: Invitae Variant Classification Sherloc (09022015). Collection method: clinical testing. Allele origin: germline.
Comment: This sequence change replaces alanine, which is neutral and non-polar, with glutamic acid, which is acidic and polar, at codon 12 of the FLNA protein (p.Ala12Glu). This variant is not present in population databases (gnomAD no frequency). This variant has not been reported in the literature in individuals affected with FLNA-related conditions. Advanced modeling of protein sequence and biophysical properties (such as structural, functional, and spatial information, amino acid conservation, physicochemical variation, residue mobility, and thermodynamic stability) performed at Invitae indicates that this missense variant is not expected to disrupt FLNA protein function. In summary, the available evidence is currently insufficient to determine the role of this variant in disease. Therefore, it has been classified as a Variant of Uncertain Significance.

NM_001110556.2(FLNA):c.35C>A (p.Ala12Glu)

Gene: FLNA (filamin A; minus strand). Cytogenetic location: Xq28.
Variant type: single nucleotide variant.
Coding change: c.35C>A on transcript NM_001110556.2 (MANE Select); coding-DNA position 35, C replaced by A.
Protein change: p.Ala12Glu; replaces alanine 12 with glutamic acid.
Molecular consequence: missense variant.
Genome position (GRCh38, 1-based): chrX:154,371,211, G>T on the plus strand (C>A on the coding strand, the complement: FLNA is on the minus strand). VCF-style: chrX-154371211-G-T. GRCh37 (hg19) VCF-style: chrX-153599579-G-T.
Other names: c.35C>A, p.Ala12Glu (NM_001456.4); short protein forms A12E.
Identifiers: ClinVar variation 2940386 (VCV002940386.3), dbSNP rs2522772190, ClinGen allele CA415255857.